The following is an entry in ClinVar:

ClinVar aggregate classification (germline): Uncertain significance (1 of 4 stars; one submission).

Conditions:
Distal hereditary motor neuropathy type 2. Identifiers: Orphanet 139525, MedGen C3711384, MeSH C580044, MONDO:0015352.

Submission:

Labcorp Genetics (formerly Invitae), Labcorp
Classification: Uncertain significance for Distal hereditary motor neuropathy type 2. Last evaluated: 2025-06-11. Review status: criteria provided, single submitter. Criteria: Invitae Variant Classification Sherloc (09022015). Collection method: clinical testing. Allele origin: germline.
Comment: This sequence change replaces glutamic acid, which is acidic and polar, with aspartic acid, which is acidic and polar, at codon 783 of the FBXO38 protein (p.Glu783Asp). This variant is not present in population databases (gnomAD no frequency). This variant has not been reported in the literature in individuals affected with FBXO38-related conditions. Invitae Evidence Modeling of protein sequence and biophysical properties (such as structural, functional, and spatial information, amino acid conservation, physicochemical variation, residue mobility, and thermodynamic stability) indicates that this missense variant is not expected to disrupt FBXO38 protein function with a negative predictive value of 80%. In summary, the available evidence is currently insufficient to determine the role of this variant in disease. Therefore, it has been classified as a Variant of Uncertain Significance.

NM_205836.3(FBXO38):c.2349A>C (p.Glu783Asp)

Gene: FBXO38 (F-box protein 38; plus strand). Cytogenetic location: 5q32.
Variant type: single nucleotide variant.
Coding change: c.2349A>C on transcript NM_205836.3 (MANE Select); coding-DNA position 2349, A replaced by C.
Protein change: p.Glu783Asp; replaces glutamic acid 783 with aspartic acid.
Molecular consequence: missense variant. On other transcripts: intron variant (1).
Genome position (GRCh38, 1-based): chr5:148,427,643, A>C. VCF-style: chr5-148427643-A-C. GRCh37 (hg19) VCF-style: chr5-147807206-A-C.
Other names: c.2349A>C, p.Glu783Asp (NM_030793.5); c.1918+1942A>C (NM_001271723.2); short protein forms E783D.
Identifiers: ClinVar variation 4737460 (VCV004737460.1).
Genomic context (GRCh38, chr5:148,427,643, plus strand): 5'-GGAGGAGGGAGATGCAGAGAGTTCTGTCTGCCCCAGATGCTGCTGTCACAGGCCCCAGGA[A>C]TCCCAAAGGAGAACTAGCAGGTGTTCTGATGAGGAACGTCCTTCAACCAGCCGAGCCTGT-3'
Protein context (NP_995308.1, residues 773-793): CPRCCCHRPQ[Glu783Asp]SQRRTSRCSD